The following is an entry in ClinVar:

NM_015512.5(DNAH1):c.3693+3C>T

Gene: DNAH1 (dynein axonemal heavy chain 1; plus strand). Cytogenetic location: 3p21.1.
Variant type: single nucleotide variant.
Coding change: c.3693+3C>T on transcript NM_015512.5 (MANE Select); 3 bases into the intron after coding-DNA position 3693, C replaced by T.
Molecular consequence: intron variant.
Genome position (GRCh38, 1-based): chr3:52,355,058, C>T. VCF-style: chr3-52355058-C-T. GRCh37 (hg19) VCF-style: chr3-52389074-C-T.
Identifiers: ClinVar variation 4793553 (VCV004793553.1).

ClinVar aggregate classification (germline): Uncertain significance (1 of 4 stars; one submission).

Conditions:
Spermatogenic failure 18. Identifiers: MedGen C4539783, MONDO:0054615, OMIM 617576.
Ciliary dyskinesia, primary, 37 (CILD37). Also called: CILIARY DYSKINESIA, PRIMARY, 37, WITH OR WITHOUT SITUS INVERSUS. Identifiers: MedGen C4539798, MONDO:0033204, OMIM 617577.

gnomAD v4.1: 13 of 1,612,738 alleles (0.00081%); highest among the groups gnomAD compares: East Asian, 0.0045%; no homozygotes.

Submission:

Labcorp Genetics (formerly Invitae), Labcorp
Classification: Uncertain significance for Ciliary dyskinesia, primary, 37; Spermatogenic failure 18. Last evaluated: 2025-08-15. Review status: criteria provided, single submitter. Criteria: Invitae Variant Classification Sherloc (09022015). Collection method: clinical testing. Allele origin: germline.
Comment: This sequence change falls in intron 21 of the DNAH1 gene. It does not directly change the encoded amino acid sequence of the DNAH1 protein. It affects a nucleotide within the consensus splice site. This variant is present in population databases (rs756548733, gnomAD 0.006%). This variant has not been reported in the literature in individuals affected with DNAH1-related conditions. Variants that disrupt the consensus splice site are a relatively common cause of aberrant splicing (PMID: 17576681, 9536098). Algorithms developed to predict the effect of sequence changes on RNA splicing suggest that this variant is not likely to affect RNA splicing. In summary, the available evidence is currently insufficient to determine the role of this variant in disease. Therefore, it has been classified as a Variant of Uncertain Significance.

Literature cited by the submitters: PubMed 17576681; PubMed 9536098.